The following is an entry in ClinVar:

ClinVar aggregate classification (germline): Likely pathogenic (1 of 4 stars; one submission).

Conditions:
Autosomal recessive polycystic kidney disease (ARPKD). Also called: AR polycystic kidney disease. Identifiers: Orphanet 731, Orphanet 8378, MedGen C0085548, MeSH D017044, MONDO:0009889.

Submission:

Natera, Inc.
Classification: Likely pathogenic for Autosomal recessive polycystic kidney disease. Last evaluated: 2025-08-04. Review status: criteria provided, single submitter. Criteria: Natera Variant Classification Schema (03/2026). Collection method: clinical testing. Allele origin: germline.
Comment: The c.5501G>A variant in PKHD1 is a nonsense variant predicted to introduce a stop codon at amino acid 1834. This variant is expected to result in nonsense mediated decay, truncation, or a dysfunctional protein product. This variant is rare in the general population with a frequency below the threshold expected for the associated phenotype(s). Given the available evidence, this variant is classified as Likely Pathogenic.

NM_138694.4(PKHD1):c.5501G>A (p.Trp1834Ter)

Gene: PKHD1 (PKHD1 ciliary IPT domain containing fibrocystin/polyductin; minus strand). Cytogenetic location: 6p12.2.
Variant type: single nucleotide variant.
Coding change: c.5501G>A on transcript NM_138694.4 (MANE Select); coding-DNA position 5501, G replaced by A.
Protein change: p.Trp1834Ter; replaces tryptophan 1834 with a stop codon.
Molecular consequence: nonsense.
Genome position (GRCh38, 1-based): chr6:52,017,509, C>T on the plus strand (G>A on the coding strand, the complement: PKHD1 is on the minus strand). VCF-style: chr6-52017509-C-T. GRCh37 (hg19) VCF-style: chr6-51882307-C-T.
Other names: c.5501G>A, p.Trp1834Ter (NM_170724.3); short protein forms W1834*.
Identifiers: ClinVar variation 4816697 (VCV004816697.1).
Genomic context (GRCh38, chr6:52,017,509, plus strand): 5'-GCCCAATGATCTGGCACAAAGAGGCATTGGGAACTTTCCTCGCAAATGTAGAGGTAAGGC[C>T]ACGATTCAAGCAGTTGCTCTGTCGCCATGGCAACTGTCAAATCACACTGCACATAGGTGT-3'